The following is an entry in ClinVar:

ClinVar aggregate classification (germline): Benign/Likely benign. Review status: criteria provided, multiple submitters, no conflicts (2 of 4 stars). 6 submissions from 6 submitters: Benign (2); Likely benign (1). 3 of the submissions do not count toward it. Last evaluated 2026-02-03.

Conditions:
Epilepsy, familial focal, with variable foci 3 (FFEVF3). Identifiers: MedGen C4310708, MONDO:0014925, OMIM 617118.
NPRL3-related disorder. Also called: NPRL3-related condition.

Allele frequency attached by ClinVar (database versions not stated): ESP Exome Variant Server 0.00274; gnomAD 0.00290; TOPMed 0.00319; 1000 Genomes Project 30x 0.00375; 1000 Genomes Project 0.00419.
gnomAD v4.1: 853 of 1,608,376 alleles (0.053%); highest among the groups gnomAD compares: African/African-American, 1%; no homozygotes.

Submissions (6):

Labcorp Genetics (formerly Invitae), Labcorp
Classification: Benign for Epilepsy, familial focal, with variable foci 3. Last evaluated: 2026-02-03. Review status: criteria provided, single submitter. Criteria: Invitae Variant Classification Sherloc (09022015). Collection method: clinical testing. Allele origin: germline.

Blueprint Genetics
Classification: Likely benign. Last evaluated: 2024-10-24. Review status: criteria provided, single submitter. Criteria: ACMG Guidelines, 2015. Collection method: clinical testing. Allele origin: germline.

GeneDx
Classification: Benign. Last evaluated: 2020-05-10. Review status: criteria provided, single submitter. Criteria: GeneDx Variant Classification Process June 2021. Collection method: clinical testing. Allele origin: germline. Affected: yes.

PreventionGenetics, part of Exact Sciences
Classification: Benign for NPRL3-related condition. Last evaluated: 2019-06-26. Review status: no assertion criteria provided. Collection method: clinical testing. Allele origin: germline. Not counted in ClinVar's aggregate classification.
Comment: This variant is classified as benign based on ACMG/AMP sequence variant interpretation guidelines (Richards et al. 2015 PMID: 25741868, with internal and published modifications).

Clinical Genetics DNA and cytogenetics Diagnostics Lab, Erasmus MC, Erasmus Medical Center
Classification: Benign. Review status: no assertion criteria provided. Collection method: clinical testing. Allele origin: germline. Affected: yes. Study: VKGL Data-share Consensus. Not counted in ClinVar's aggregate classification.

Genome Diagnostics Laboratory, University Medical Center Utrecht
Classification: Likely benign. Review status: no assertion criteria provided. Collection method: clinical testing. Allele origin: germline. Affected: yes. Study: VKGL Data-share Consensus. Not counted in ClinVar's aggregate classification.

NM_001077350.3(NPRL3):c.629+9G>C

Genes: HBA-LCR (alpha-globin locus control region; plus strand), NPRL3 (NPR3 like, GATOR1 complex subunit; minus strand). Cytogenetic location: 16p13.3.
Variant type: single nucleotide variant.
Coding change: c.629+9G>C on transcript NM_001077350.3 (MANE Select); 9 bases into the intron after coding-DNA position 629, G replaced by C.
Molecular consequence: intron variant.
Genome position (GRCh38, 1-based): chr16:110,516, C>G on the plus strand (G>C on the coding strand, the complement: NPRL3 is on the minus strand). VCF-style: chr16-110516-C-G. GRCh37 (hg19) VCF-style: chr16-160514-C-G.
Other names: c.395+9G>C (NM_001243247.2); c.554+9G>C (NM_001243248.2, NM_001243249.2); c.92+9G>C (NM_001039476.3).
Identifiers: ClinVar variation 476226 (VCV000476226.17), dbSNP rs142080016, ClinGen allele CA7769609.